The following is an entry in ClinVar:

ClinVar aggregate classification (germline): Uncertain significance (1 of 4 stars; one submission).

Conditions:
Early-infantile DEE. Also called: Ohtahara syndrome; Early infantile epileptic encephalopathy; Early infantile epileptic encephalopathy with suppression bursts. Identifiers: Orphanet 1934, MedGen C0393706, MONDO:0800491.

Submission:

Labcorp Genetics (formerly Invitae), Labcorp
Classification: Uncertain significance for Early-infantile DEE. Last evaluated: 2023-12-06. Review status: criteria provided, single submitter. Criteria: Invitae Variant Classification Sherloc (09022015). Collection method: clinical testing. Allele origin: germline.
Comment: This sequence change replaces methionine, which is neutral and non-polar, with valine, which is neutral and non-polar, at codon 1977 of the SCN1A protein (p.Met1977Val). This variant is not present in population databases (gnomAD no frequency). This variant has not been reported in the literature in individuals affected with SCN1A-related conditions. ClinVar contains an entry for this variant (Variation ID: 1977542). Advanced modeling of protein sequence and biophysical properties (such as structural, functional, and spatial information, amino acid conservation, physicochemical variation, residue mobility, and thermodynamic stability) performed at Invitae indicates that this missense variant is not expected to disrupt SCN1A protein function with a negative predictive value of 95%. In summary, the available evidence is currently insufficient to determine the role of this variant in disease. Therefore, it has been classified as a Variant of Uncertain Significance.

NM_001165963.4(SCN1A):c.5929A>G (p.Met1977Val)

Genes: SCN1A (sodium voltage-gated channel alpha subunit 1; minus strand), LOC102724058 (uncharacterized LOC102724058; plus strand). Cytogenetic location: 2q24.3.
Variant type: single nucleotide variant.
Coding change: c.5929A>G on transcript NM_001165963.4 (MANE Select); coding-DNA position 5929, A replaced by G.
Protein change: p.Met1977Val; replaces methionine 1977 with valine.
Molecular consequence: missense variant. On other transcripts: non-coding transcript variant (1).
Genome position (GRCh38, 1-based): chr2:165,991,346, T>C on the plus strand (A>G on the coding strand, the complement: SCN1A is on the minus strand). VCF-style: chr2-165991346-T-C. GRCh37 (hg19) VCF-style: chr2-166847856-T-C.
Other names: c.5845A>G, p.Met1949Val (NM_001165964.3, NM_001353957.2, NM_001353958.2); c.5929A>G, p.Met1977Val (NM_001202435.3, NM_001353948.2); c.5896A>G, p.Met1966Val (NM_001353949.2, NM_001353950.2, NM_001353951.2 and 2 more transcripts); c.5893A>G, p.Met1965Val (NM_001353954.2, NM_001353955.2); c.5842A>G, p.Met1948Val (NM_001353960.2); c.3487A>G, p.Met1163Val (NM_001353961.2); short protein forms M1965V, M1977V, M1948V, M1966V, M1163V, M1949V.
Identifiers: ClinVar variation 1977542 (VCV001977542.5), dbSNP rs1689103194, ClinGen allele CA349063173.
Genomic context (GRCh38, chr2:165,991,346, plus strand): 5'-GTTTTTCCACAATTGGCTTTGTCACCCGGTCATAGGAAGGTGGACAAGCTGCAGTGGACA[T>C]GGTCAGATCAGTTTTTTCTGTAATAGAGTTTTCATTTATTCTGTCAATTATCATGTCTTC-3'
Protein context (NP_001159435.1, residues 1967-1987): NSITEKTDLT[Met1977Val]STAACPPSYD